The following is an entry in ClinVar:

ClinVar aggregate classification (germline): Uncertain significance. Review status: criteria provided, multiple submitters, no conflicts (2 of 4 stars). 3 submissions from 3 submitters: Uncertain significance (3). Last evaluated 2024-08-27.

Conditions:
Inborn genetic diseases. Identifiers: MedGen C0950123, MeSH D030342.

Allele frequency attached by ClinVar (database versions not stated): TOPMed 0.00006; ESP Exome Variant Server 0.00015.
gnomAD v4.1: 83 of 1,611,768 alleles (0.0051%); highest among the groups gnomAD compares: African/African-American, 0.0067%; no homozygotes.

Submissions (3):

Labcorp Genetics (formerly Invitae), Labcorp
Classification: Uncertain significance. Last evaluated: 2024-08-27. Review status: criteria provided, single submitter. Criteria: Invitae Variant Classification Sherloc (09022015). Collection method: clinical testing. Allele origin: germline.
Comment: This sequence change replaces arginine, which is basic and polar, with glutamine, which is neutral and polar, at codon 610 of the CLCN2 protein (p.Arg610Gln). This variant is present in population databases (rs200403170, gnomAD 0.008%). This variant has not been reported in the literature in individuals affected with CLCN2-related conditions. ClinVar contains an entry for this variant (Variation ID: 2359189). Invitae Evidence Modeling of protein sequence and biophysical properties (such as structural, functional, and spatial information, amino acid conservation, physicochemical variation, residue mobility, and thermodynamic stability) indicates that this missense variant is not expected to disrupt CLCN2 protein function with a negative predictive value of 80%. In summary, the available evidence is currently insufficient to determine the role of this variant in disease. Therefore, it has been classified as a Variant of Uncertain Significance.

Blueprint Genetics
Classification: Uncertain significance. Last evaluated: 2024-03-07. Review status: criteria provided, single submitter. Criteria: ACMG Guidelines, 2015. Collection method: clinical testing. Allele origin: germline.

Ambry Genetics
Classification: Uncertain significance for Inborn genetic diseases. Last evaluated: 2022-11-21. Review status: criteria provided, single submitter. Criteria: Ambry Variant Classification Scheme 2023. Collection method: clinical testing. Allele origin: germline.

NM_004366.6(CLCN2):c.1829G>A (p.Arg610Gln)

Gene: CLCN2 (chloride voltage-gated channel 2; minus strand). Cytogenetic location: 3q27.1.
Variant type: single nucleotide variant.
Coding change: c.1829G>A on transcript NM_004366.6 (MANE Select); coding-DNA position 1829, G replaced by A.
Protein change: p.Arg610Gln; replaces arginine 610 with glutamine.
Molecular consequence: missense variant.
Genome position (GRCh38, 1-based): chr3:184,353,688, C>T on the plus strand (G>A on the coding strand, the complement: CLCN2 is on the minus strand). VCF-style: chr3-184353688-C-T. GRCh37 (hg19) VCF-style: chr3-184071476-C-T.
Other names: c.1778G>A, p.Arg593Gln (NM_001171087.3); c.1697G>A, p.Arg566Gln (NM_001171088.3); c.1829G>A, p.Arg610Gln (NM_001171089.3); short protein forms R593Q, R566Q, R610Q.
Identifiers: ClinVar variation 2359189 (VCV002359189.5), dbSNP rs200403170, ClinGen allele CA2733976.